The following is an entry in ClinVar:

NM_001035.3(RYR2):c.1618C>A (p.Leu540Ile)

Gene: RYR2 (ryanodine receptor 2; plus strand). Cytogenetic location: 1q43.
Variant type: single nucleotide variant.
Coding change: c.1618C>A on transcript NM_001035.3 (MANE Select); coding-DNA position 1618, C replaced by A.
Protein change: p.Leu540Ile; replaces leucine 540 with isoleucine.
Molecular consequence: missense variant.
Genome position (GRCh38, 1-based): chr1:237,469,097, C>A. VCF-style: chr1-237469097-C-A. GRCh37 (hg19) VCF-style: chr1-237632397-C-A.
Other names: short protein forms L540I.
Identifiers: ClinVar variation 2110538 (VCV002110538.4), dbSNP rs2528756657, ClinGen allele CA345383577.

ClinVar aggregate classification (germline): Uncertain significance (1 of 4 stars; one submission).

Conditions:
Catecholaminergic polymorphic ventricular tachycardia 1. Also called: VENTRICULAR TACHYCARDIA, STRESS-INDUCED POLYMORPHIC 1; RYR2-Related Catecholaminergic Polymorphic Ventricular Tachycardia; VENTRICULAR TACHYCARDIA, CATECHOLAMINERGIC POLYMORPHIC, 1, WITH OR WITHOUT ATRIAL DYSFUNCTION AND/OR DILATED CARDIOMYOPATHY. Identifiers: Orphanet 3286, MedGen C1631597, MONDO:0011484, OMIM 604772.

Submission:

Labcorp Genetics (formerly Invitae), Labcorp
Classification: Uncertain significance for Catecholaminergic polymorphic ventricular tachycardia 1. Last evaluated: 2022-03-12. Review status: criteria provided, single submitter. Criteria: Invitae Variant Classification Sherloc (09022015). Collection method: clinical testing. Allele origin: germline.
Comment: In summary, the available evidence is currently insufficient to determine the role of this variant in disease. Therefore, it has been classified as a Variant of Uncertain Significance. Algorithms developed to predict the effect of missense changes on protein structure and function are either unavailable or do not agree on the potential impact of this missense change (SIFT: "Deleterious"; PolyPhen-2: "Possibly Damaging"; Align-GVGD: "Class C0"). This variant has not been reported in the literature in individuals affected with RYR2-related conditions. This variant is not present in population databases (gnomAD no frequency). This sequence change replaces leucine, which is neutral and non-polar, with isoleucine, which is neutral and non-polar, at codon 540 of the RYR2 protein (p.Leu540Ile).